The following is an entry in ClinVar:

ClinVar aggregate classification (germline): Pathogenic/Likely pathogenic. Review status: criteria provided, multiple submitters, no conflicts (2 of 4 stars). 7 submissions from 6 submitters: Pathogenic (3); Likely pathogenic (4). Last evaluated 2025-09-05.

Conditions:
PPA2-related disorder. Also called: PPA2-related disorders; PPA2-related condition.
Sudden cardiac failure, infantile (SCFI). Identifiers: MedGen C4310664, MONDO:0014973, OMIM 617222.
Sudden cardiac failure, alcohol-induced (SCFAI). Identifiers: MedGen C4310663, MONDO:0014974, OMIM 617223.

Allele frequency attached by ClinVar (database versions not stated): TOPMed 0.00003; gnomAD 0.00005; gnomAD exomes 0.00005 and 0.00006; ExAC 0.00007.
gnomAD v4.1: 100 of 1,607,118 alleles (0.0062%); highest among the groups gnomAD compares: South Asian, 0.024%; 1 homozygote.

Submissions (7):

Labcorp Genetics (formerly Invitae), Labcorp
Classification: Pathogenic. Last evaluated: 2025-09-05. Review status: criteria provided, single submitter. Criteria: Invitae Variant Classification Sherloc (09022015). Collection method: clinical testing. Allele origin: germline.
Comment: This sequence change replaces threonine, which is neutral and polar, with methionine, which is neutral and non-polar, at codon 159 of the PPA2 protein (p.Thr159Met). This variant is present in population databases (rs752062224, gnomAD 0.02%). This missense change has been observed in individual(s) with sudden cardiac failure (PMID: 34400813). In at least one individual the data is consistent with being in trans (on the opposite chromosome) from a pathogenic variant. It has also been observed to segregate with disease in related individuals. ClinVar contains an entry for this variant (Variation ID: 1048576). Invitae Evidence Modeling of protein sequence and biophysical properties (such as structural, functional, and spatial information, amino acid conservation, physicochemical variation, residue mobility, and thermodynamic stability) indicates that this missense variant is expected to disrupt PPA2 protein function with a positive predictive value of 95%. Experimental studies have shown that this missense change affects PPA2 function (PMID: 34400813). For these reasons, this variant has been classified as Pathogenic.

GeneDx
Classification: Likely pathogenic. Last evaluated: 2025-02-21. Review status: criteria provided, single submitter. Criteria: GeneDx Variant Classification Process June 2021. Collection method: clinical testing. Allele origin: germline. Affected: yes.
Comment: In silico analysis supports that this missense variant has a deleterious effect on protein structure/function; This variant is associated with the following publications: (PMID: 34400813)

Victorian Clinical Genetics Services, Murdoch Childrens Research Institute
Classification: Pathogenic for Sudden cardiac failure, infantile. Last evaluated: 2024-11-07. Review status: criteria provided, single submitter. Criteria: ACMG Guidelines, 2015. Collection method: clinical testing. Allele origin: germline. Affected: no.
Comment: This variant is classified as Pathogenic. Evidence in support of pathogenic classification: Variant is present in gnomAD <0.01 for a recessive condition (v4: 98 heterozygotes, 1 homozygote); This variant has strong previous evidence of pathogenicity in unrelated individuals. This variant has been classified as pathogenic or likely pathogenic by clinical laboratories in ClinVar. It has also been observed as compound heterozygous with a pathogenic variant in three individuals with cardiac failure in the literature (PMID: 34400813); This variant has moderate functional evidence supporting abnormal protein function. E. coli transformed with this variant were shown to have decreased PPA2 enzyme activity to between 40 and 50% of wild type activity (PMID: 34400813). Additional information: Variant is predicted to result in a missense amino acid change from threonine to methionine; This variant is heterozygous; This gene is associated with autosomal recessive disease; No segregation evidence has been identified for this variant; No comparable variants have previous evidence for pathogenicity; Variant is located in the annotated pyrophosphatase domain (DECIPHER); Missense variant with an inconclusive in silico prediction and high conservation; Loss of function is a known mechanism of disease in this gene and is associated with sudden cardiac failure, infantile (MIM#617222).

Blueprint Genetics
Classification: Pathogenic for PPA2-related disorders. Last evaluated: 2023-09-18. Review status: criteria provided, single submitter. Criteria: ACMG Guidelines, 2015. Collection method: clinical testing. Allele origin: germline. Affected: yes. Observed: 5 variant alleles.

Women's Health and Genetics/Laboratory Corporation of America, LabCorp
Classification: Likely pathogenic for Sudden cardiac failure, infantile. Last evaluated: 2022-01-20. Review status: criteria provided, single submitter. Criteria: LabCorp Variant Classification Summary - May 2015. Collection method: clinical testing. Allele origin: germline.
Comment: Variant summary: PPA2 c.476C>T (p.Thr159Met) results in a non-conservative amino acid change in the encoded protein sequence. Four of five in-silico tools predict a damaging effect of the variant on protein function. The variant allele was found at a frequency of 4.9e-05 in 243948 control chromosomes. c.476C>T has been reported in the literature in three probands from three families affected with Sudden Cardiac Failure each carrying a second pathogenic variant in trans (Guimier_2021). Functional studies using site-directed mutagenesis showed the variant to have <50% wild-type enzyme activity (Guimier_2021). Two clinical diagnostic laboratories have submitted clinical-significance assessments for this variant to ClinVar after 2014 without evidence for independent evaluation. All laboratories classified the variant as likely pathogenic. Based on the evidence outlined above, the variant was classified as likely pathogenic.

PPA2 laboratory, University of Otago
Classification: Likely pathogenic for Sudden cardiac failure, infantile. Last evaluated: 2021-03-02. Review status: criteria provided, single submitter. Criteria: ACMG Guidelines, 2015. Collection method: research. Allele origin: germline. Affected: yes.

PPA2 laboratory, University of Otago
Classification: Likely pathogenic for Sudden cardiac failure, alcohol-induced. Last evaluated: 2021-03-02. Review status: criteria provided, single submitter. Criteria: ACMG Guidelines, 2015. Collection method: research. Allele origin: germline. Affected: yes.

Literature cited by the submitters: PubMed 34400813 (cited by 3 submitters).

NM_176869.3(PPA2):c.476C>T (p.Thr159Met)

Gene: PPA2 (inorganic pyrophosphatase 2; minus strand). Cytogenetic location: 4q24.
Variant type: single nucleotide variant.
Coding change: c.476C>T on transcript NM_176869.3 (MANE Select); coding-DNA position 476, C replaced by T.
Protein change: p.Thr159Met; replaces threonine 159 with methionine.
Molecular consequence: missense variant. On other transcripts: intron variant (3).
Genome position (GRCh38, 1-based): chr4:105,438,002, G>A on the plus strand (C>T on the coding strand, the complement: PPA2 is on the minus strand). VCF-style: chr4-105438002-G-A. GRCh37 (hg19) VCF-style: chr4-106359159-G-A.
Other names: c.157+35892C>T (NM_176867.3); c.223-13680C>T (NM_176866.2); c.441+8381C>T (NM_006903.4); short protein forms T159M.
Identifiers: ClinVar variation 1048576 (VCV001048576.15), dbSNP rs752062224, ClinGen allele CA3032519.